The following is an entry in ClinVar:

NM_144997.7(FLCN):c.1300+14C>T

Gene: FLCN (folliculin; minus strand). Cytogenetic location: 17p11.2.
Variant type: single nucleotide variant.
Coding change: c.1300+14C>T on transcript NM_144997.7 (MANE Select); 14 bases into the intron after coding-DNA position 1300, C replaced by T.
Molecular consequence: intron variant.
Genome position (GRCh38, 1-based): chr17:17,216,366, G>A on the plus strand (C>T on the coding strand, the complement: FLCN is on the minus strand). VCF-style: chr17-17216366-G-A. GRCh37 (hg19) VCF-style: chr17-17119680-G-A.
Other names: c.1300+14C>T (LRG_325t1, NM_001353231.2, NM_001353230.2); c.1354+14C>T (NM_001353229.2).
Identifiers: ClinVar variation 322063 (VCV000322063.15), dbSNP rs200823760, ClinGen allele CA8416065.

ClinVar aggregate classification (germline): Conflicting classifications of pathogenicity. Review status: criteria provided, conflicting classifications (1 of 4 stars). 5 submissions from 4 submitters: Uncertain significance (1); Benign (1); Likely benign (3). Last evaluated 2026-02-02.

Conditions:
Birt-Hogg-Dube syndrome. Also called: Birt Hogg Dubé syndrome. Identifiers: Orphanet 122, MedGen C0346010, MONDO:0800444.
Familial spontaneous pneumothorax (PSP). Identifiers: Orphanet 2903, MedGen C1868193, MONDO:0008259, OMIM 173600.

Allele frequency attached by ClinVar (database versions not stated): gnomAD exomes 0.00004 and 0.00006; gnomAD 0.00005 and 0.00007; TOPMed 0.00005; ExAC 0.00009; 1000 Genomes Project 30x 0.00016; 1000 Genomes Project 0.00020.
gnomAD v4.1: 63 of 1,613,066 alleles (0.0039%); highest among the groups gnomAD compares: East Asian, 0.098%; no homozygotes.

Submissions (5):

Labcorp Genetics (formerly Invitae), Labcorp
Classification: Likely benign for Birt-Hogg-Dube syndrome. Last evaluated: 2026-02-02. Review status: criteria provided, single submitter. Criteria: Invitae Variant Classification Sherloc (09022015). Collection method: clinical testing. Allele origin: germline.

Center for Genomic Medicine, Rigshospitalet, Copenhagen University Hospital
Classification: Likely benign. Last evaluated: 2025-03-04. Review status: criteria provided, single submitter. Criteria: ACMG Guidelines, 2015. Collection method: clinical testing. Allele origin: germline.

Blueprint Genetics
Classification: Likely benign. Last evaluated: 2023-07-05. Review status: criteria provided, single submitter. Criteria: ACMG Guidelines, 2015. Collection method: clinical testing. Allele origin: germline.

Illumina Laboratory Services, Illumina
Classification: Uncertain significance for Familial spontaneous pneumothorax. Last evaluated: 2018-01-12. Review status: criteria provided, single submitter. Criteria: ICSL Variant Classification Criteria 13 December 2019. Collection method: clinical testing. Allele origin: germline.

Illumina Laboratory Services, Illumina
Classification: Benign for Birt-Hogg-Dube syndrome 1. Last evaluated: 2018-01-12. Review status: criteria provided, single submitter. Criteria: ICSL Variant Classification Criteria 13 December 2019. Collection method: clinical testing. Allele origin: germline.
Comment: This variant was observed in the ICSL laboratory as part of a predisposition screen in an ostensibly healthy population. It had not been previously curated by ICSL or reported in the Human Gene Mutation Database (HGMD: prior to June 1st, 2018), and was therefore a candidate for classification through an automated scoring system. Utilizing variant allele frequency, disease prevalence and penetrance estimates, and inheritance mode, an automated score was calculated to assess if this variant is too frequent to cause the disease. Based on the score and internal cut-off values, a variant classified as benign is not then subjected to further curation. The score for this variant resulted in a classification of benign for this disease.